The following is an entry in ClinVar:

NM_002439.5(MSH3):c.1568+5G>A

Gene: MSH3 (mutS homolog 3; plus strand). Cytogenetic location: 5q14.1.
Variant type: single nucleotide variant.
Coding change: c.1568+5G>A on transcript NM_002439.5 (MANE Select); 5 bases into the intron after coding-DNA position 1568, G replaced by A.
Molecular consequence: intron variant.
Genome position (GRCh38, 1-based): chr5:80,728,970, G>A. VCF-style: chr5-80728970-G-A. GRCh37 (hg19) VCF-style: chr5-80024789-G-A.
Identifiers: ClinVar variation 665314 (VCV000665314.17), dbSNP rs778804919, ClinGen allele CA3327956.
Genomic context (GRCh38, chr5:80,728,970, plus strand): 5'-GCCATCATAAAATACCTCAAAGAATTCAACTTGGAAAAGATGCTCTCCAAACCTGAGTAA[G>A]TGATTCCTCCAAAATTAAAAAAAGGGGGAGCTTATATTATGAACATTTCTTAAATTGAAT-3'

ClinVar aggregate classification (germline): Uncertain significance. Review status: criteria provided, multiple submitters, no conflicts (2 of 4 stars). 4 submissions from 4 submitters: Uncertain significance (4). Last evaluated 2025-05-14.

Conditions:
Endometrial carcinoma. Also called: Endometrial carcinoma, somatic. Identifiers: MedGen C0476089, MONDO:0002447, OMIM 608089, HP:0012114.
Hereditary cancer-predisposing syndrome. Also called: Tumor predisposition; Hereditary neoplastic syndrome; Neoplastic Syndromes, Hereditary; Hereditary Cancer Syndrome. Identifiers: Orphanet 140162, MedGen C0027672, MeSH D009386, MONDO:0015356.

Allele frequency attached by ClinVar (database versions not stated): gnomAD exomes below 0.00001 and 0.00001; ExAC 0.00001; gnomAD 0.00001; TOPMed 0.00003.
gnomAD v4.1: 8 of 1,475,902 alleles (0.00054%); highest among the groups gnomAD compares: Middle Eastern, 0.017%; no homozygotes.

Submissions (4):

Ambry Genetics
Classification: Uncertain significance for Hereditary cancer-predisposing syndrome. Last evaluated: 2025-05-14. Review status: criteria provided, single submitter. Criteria: Ambry Variant Classification Scheme 2023. Collection method: clinical testing. Allele origin: germline.
Comment: The c.1568+5G>A intronic variant results from a G to A substitution 5 nucleotides after coding exon 10 in the MSH3 gene. This nucleotide position is well conserved in available vertebrate species. In silico splice site analysis predicts that this alteration will not have any significant effect on splicing. Since supporting evidence is limited at this time, the clinical significance of this alteration remains unclear.

Labcorp Genetics (formerly Invitae), Labcorp
Classification: Uncertain significance. Last evaluated: 2023-10-11. Review status: criteria provided, single submitter. Criteria: Invitae Variant Classification Sherloc (09022015). Collection method: clinical testing. Allele origin: germline.
Comment: This sequence change falls in intron 10 of the MSH3 gene. It does not directly change the encoded amino acid sequence of the MSH3 protein. It affects a nucleotide within the consensus splice site. This variant is present in population databases (rs778804919, gnomAD 0.007%). This variant has not been reported in the literature in individuals affected with MSH3-related conditions. ClinVar contains an entry for this variant (Variation ID: 665314). Variants that disrupt the consensus splice site are a relatively common cause of aberrant splicing (PMID: 17576681, 9536098). Algorithms developed to predict the effect of sequence changes on RNA splicing suggest that this variant may disrupt the consensus splice site. In summary, the available evidence is currently insufficient to determine the role of this variant in disease. Therefore, it has been classified as a Variant of Uncertain Significance.

Baylor Genetics
Classification: Uncertain significance for Endometrial carcinoma. Last evaluated: 2023-05-24. Review status: criteria provided, single submitter. Criteria: ACMG Guidelines, 2015. Collection method: clinical testing. Allele origin: unknown.

Institute for Clinical Genetics, University Hospital TU Dresden, University Hospital TU Dresden
Classification: Uncertain significance. Last evaluated: 2021-11-03. Review status: criteria provided, single submitter. Criteria: ACMG Guidelines, 2015. Collection method: clinical testing. Allele origin: germline.

Literature cited by the submitters: PubMed 17576681 (cited by Labcorp Genetics (formerly Invitae), Labcorp); PubMed 9536098 (cited by Labcorp Genetics (formerly Invitae), Labcorp).